The following is an entry in ClinVar:

ClinVar aggregate classification (germline): Benign/Likely benign. Review status: criteria provided, multiple submitters, no conflicts (2 of 4 stars). 2 submissions from 2 submitters: Benign (1); Likely benign (1). Last evaluated 2026-01-09.

Conditions:
RAI1-related disorder. Also called: RAI1-related condition.

Allele frequency attached by ClinVar (database versions not stated): gnomAD 0.00001; gnomAD exomes 0.00002; TOPMed 0.00004; ExAC 0.00006; ESP Exome Variant Server 0.00015.
gnomAD v4.1: 35 of 1,608,106 alleles (0.0022%); highest among the groups gnomAD compares: Middle Eastern, 0.016%; no homozygotes.

Submissions (2):

PreventionGenetics, part of Exact Sciences
Classification: Likely benign for RAI1-related condition. Last evaluated: 2026-01-09. Review status: criteria provided, single submitter. Criteria: ACMG Guidelines, 2015. Collection method: clinical testing. Allele origin: germline.
Comment: This variant is classified as likely benign based on ACMG/AMP sequence variant interpretation guidelines (Richards et al. 2015 PMID: 25741868, with internal and published modifications).

Labcorp Genetics (formerly Invitae), Labcorp
Classification: Benign. Last evaluated: 2025-09-16. Review status: criteria provided, single submitter. Criteria: Invitae Variant Classification Sherloc (09022015). Collection method: clinical testing. Allele origin: germline.

NM_030665.4(RAI1):c.5503G>A (p.Val1835Ile)

Gene: RAI1 (retinoic acid induced 1; plus strand). Cytogenetic location: 17p11.2.
Variant type: single nucleotide variant.
Coding change: c.5503G>A on transcript NM_030665.4 (MANE Select); coding-DNA position 5503, G replaced by A.
Protein change: p.Val1835Ile; replaces valine 1835 with isoleucine.
Molecular consequence: missense variant.
Genome position (GRCh38, 1-based): chr17:17,798,451, G>A. VCF-style: chr17-17798451-G-A. GRCh37 (hg19) VCF-style: chr17-17701765-G-A.
Other names: c.5503G>A (NM_030665.3); short protein forms V1835I.
Identifiers: ClinVar variation 2152864 (VCV002152864.8), dbSNP rs373160337, ClinGen allele CA8419176.